The following is an entry in ClinVar:

NM_005428.4(VAV1):c.322-8C>T

Gene: VAV1 (vav guanine nucleotide exchange factor 1; plus strand). Cytogenetic location: 19p13.3.
Variant type: single nucleotide variant.
Coding change: c.322-8C>T on transcript NM_005428.4 (MANE Select); 8 bases into the intron before coding-DNA position 322, C replaced by T.
Molecular consequence: intron variant.
Genome position (GRCh38, 1-based): chr19:6,821,614, C>T. VCF-style: chr19-6821614-C-T. GRCh37 (hg19) VCF-style: chr19-6821625-C-T.
Other names: c.322-8C>T (NM_001258206.2, NM_001258207.2).
Identifiers: ClinVar variation 403601 (VCV000403601.28), dbSNP rs28617395, ClinGen allele CA9132183.

ClinVar aggregate classification (germline): Benign. Review status: criteria provided, multiple submitters, no conflicts (2 of 4 stars). 5 submissions from 5 submitters: Benign (4). 1 of the submissions does not count toward it. Last evaluated 2026-02-03.

Conditions:
VAV1-related disorder. Also called: VAV1-related condition.

Allele frequency attached by ClinVar (database versions not stated): 1000 Genomes Project 0.09285; 1000 Genomes Project 30x 0.09432; gnomAD exomes 0.12516 and 0.15170; TOPMed 0.12693; ExAC 0.12702; gnomAD 0.12773 and 0.12963; ESP Exome Variant Server 0.14563.
gnomAD v4.1: 240,720 of 1,613,840 alleles (15%); highest among the groups gnomAD compares: Non-Finnish European, 16%; 19,113 homozygotes.

Submissions (5):

Labcorp Genetics (formerly Invitae), Labcorp
Classification: Benign. Last evaluated: 2026-02-03. Review status: criteria provided, single submitter. Criteria: Invitae Variant Classification Sherloc (09022015). Collection method: clinical testing. Allele origin: germline.

ARUP Laboratories, Molecular Genetics and Genomics, ARUP Laboratories
Classification: Benign. Last evaluated: 2023-11-28. Review status: criteria provided, single submitter. Criteria: ARUP Molecular Germline Variant Investigation Process 2024. Collection method: clinical testing. Allele origin: germline.

Laboratory for Molecular Medicine, Mass General Brigham Personalized Medicine
Classification: Benign. Last evaluated: 2016-03-29. Review status: criteria provided, single submitter. Criteria: LMM Criteria. Collection method: clinical testing. Allele origin: germline.
Comment: Variant identified in a genome or exome case(s) and assessed due to predicted null impact of the variant or pathogenic assertions in the literature or databases. Disclaimer: This variant has not undergone full assessment. The following are preliminary notes: Frequency

Breakthrough Genomics
Classification: Benign. Review status: criteria provided, single submitter. Criteria: ACMG Guidelines, 2015. Collection method: not provided. Allele origin: germline. Inheritance: Unknown mechanism. Affected: yes.

PreventionGenetics, part of Exact Sciences
Classification: Benign for VAV1-related condition. Last evaluated: 2019-05-21. Review status: no assertion criteria provided. Collection method: clinical testing. Allele origin: germline. Not counted in ClinVar's aggregate classification.
Comment: This variant is classified as benign based on ACMG/AMP sequence variant interpretation guidelines (Richards et al. 2015 PMID: 25741868, with internal and published modifications).